The following is an entry in ClinVar:

NM_031220.4(PITPNM3):c.2914T>C (p.Ser972Pro)

Genes: PITPNM3 (PITPNM family member 3; minus strand), LOC130060086 (ATAC-STARR-seq lymphoblastoid silent region 8076; plus strand). Cytogenetic location: 17p13.2.
Variant type: single nucleotide variant.
Coding change: c.2914T>C on transcript NM_031220.4 (MANE Select); coding-DNA position 2914, T replaced by C.
Protein change: p.Ser972Pro; replaces serine 972 with proline.
Molecular consequence: missense variant.
Genome position (GRCh38, 1-based): chr17:6,455,349, A>G on the plus strand (T>C on the coding strand, the complement: PITPNM3 is on the minus strand). VCF-style: chr17-6455349-A-G. GRCh37 (hg19) VCF-style: chr17-6358669-A-G.
Other names: c.2914T>C (NM_031220.3); c.2806T>C, p.Ser936Pro (NM_001165966.2); short protein forms S936P, S972P.
Identifiers: ClinVar variation 2879159 (VCV002879159.4), dbSNP rs770849477, ClinGen allele CA8328988.

ClinVar aggregate classification (germline): Uncertain significance. Review status: criteria provided, multiple submitters, no conflicts (2 of 4 stars). 2 submissions from 2 submitters: Uncertain significance (2). Last evaluated 2025-09-24.

Allele frequency attached by ClinVar (database versions not stated): gnomAD exomes 0.00001; ExAC 0.00012.
gnomAD v4.1: 19 of 1,578,802 alleles (0.0012%); highest among the groups gnomAD compares: Non-Finnish European, 0.0015%; no homozygotes.

Submissions (2):

Ambry Genetics
Classification: Uncertain significance. Last evaluated: 2025-09-24. Review status: criteria provided, single submitter. Criteria: Ambry Variant Classification Scheme 2023. Collection method: clinical testing. Allele origin: germline.

Labcorp Genetics (formerly Invitae), Labcorp
Classification: Uncertain significance. Last evaluated: 2023-09-01. Review status: criteria provided, single submitter. Criteria: Invitae Variant Classification Sherloc (09022015). Collection method: clinical testing. Allele origin: germline.
Comment: In summary, the available evidence is currently insufficient to determine the role of this variant in disease. Therefore, it has been classified as a Variant of Uncertain Significance. An algorithm developed to predict the effect of missense changes on protein structure and function (PolyPhen-2) suggests that this variant is likely to be tolerated. This variant has not been reported in the literature in individuals affected with PITPNM3-related conditions. This variant is present in population databases (rs770849477, gnomAD 0.01%). This sequence change replaces serine, which is neutral and polar, with proline, which is neutral and non-polar, at codon 972 of the PITPNM3 protein (p.Ser972Pro).